The following is an entry in ClinVar:

NM_032634.4(PIGO):c.1554A>G (p.Ala518=)

Gene: PIGO (phosphatidylinositol glycan anchor biosynthesis class O; minus strand). Cytogenetic location: 9p13.3.
Variant type: single nucleotide variant.
Coding change: c.1554A>G on transcript NM_032634.4 (MANE Select); coding-DNA position 1554, A replaced by G.
Protein change: p.Ala518=; no amino-acid change (alanine 518 retained).
Molecular consequence: synonymous variant. On other transcripts: intron variant (2).
Genome position (GRCh38, 1-based): chr9:35,092,333, T>C on the plus strand (A>G on the coding strand, the complement: PIGO is on the minus strand). VCF-style: chr9-35092333-T-C. GRCh37 (hg19) VCF-style: chr9-35092330-T-C.
Other names: c.1344+210A>G (NM_152850.4, NM_001201484.2).
Identifiers: ClinVar variation 546114 (VCV000546114.11), dbSNP rs373701949, ClinGen allele CA5040613.

ClinVar aggregate classification (germline): Conflicting classifications of pathogenicity. Review status: criteria provided, conflicting classifications (1 of 4 stars). 2 submissions from 2 submitters: Uncertain significance (1); Likely benign (1). Last evaluated 2025-10-15.

Conditions:
Hyperphosphatasia with impaired intellectual development syndrome 2. Also called: Hyperphosphatasia with intellectual disability syndrome 2; GLYCOSYLPHOSPHATIDYLINOSITOL BIOSYNTHESIS DEFECT 6. Identifiers: Orphanet 247262, MedGen C3553637, MONDO:0013882, OMIM 614749.

Allele frequency attached by ClinVar (database versions not stated): ExAC 0.00003; gnomAD 0.00005; TOPMed 0.00003; gnomAD exomes 0.00003; ESP Exome Variant Server 0.00008.
gnomAD v4.1: 53 of 1,614,102 alleles (0.0033%); highest among the groups gnomAD compares: Non-Finnish European, 0.0042%; no homozygotes.

Submissions (2):

Labcorp Genetics (formerly Invitae), Labcorp
Classification: Likely benign for Hyperphosphatasia with impaired intellectual development syndrome 2. Last evaluated: 2025-10-15. Review status: criteria provided, single submitter. Criteria: Invitae Variant Classification Sherloc (09022015). Collection method: clinical testing. Allele origin: germline.

GeneDx
Classification: Uncertain significance. Last evaluated: 2018-05-25. Review status: criteria provided, single submitter. Criteria: GeneDx Variant Classification (06012015). Collection method: clinical testing. Allele origin: germline. Affected: yes.
Comment: A variant of uncertain significance has been identified in the PIGO gene. The c.1554 A>G variant hasnot been published as a pathogenic variant, nor has it been reported as a benign variant to our knowledge. This variant is not observed at a significant frequency in large population cohorts (Lek et al., 2016). Several in silico splice prediction models predict that c.1554 A>G creates a cryptic splice donor site for intron 7 which may supplant the natural splice donor site and lead to abnormal gene splicing. However, in the absence of RNA/functional studies, the actual effect of this sequence changein this individual is unknown. Therefore, based on the currently available information, it is unclearwhether this variant is a pathogenic variant or a rare benign variant.